The following is an entry in ClinVar:

NC_000004.12:g.(?_54258769)_(54261422_?)del

Gene: PDGFRA (platelet derived growth factor receptor alpha; plus strand). Cytogenetic location: 4q12.
Variant type: Deletion.
Identifiers: ClinVar variation 832315 (VCV000832315.3).

ClinVar aggregate classification (germline): Uncertain significance (1 of 4 stars; one submission).

Conditions:
Gastrointestinal stromal tumor. Also called: Gastrointestinal stromal tumor, somatic; Gastrointestinal stroma tumor. Identifiers: Orphanet 44890, MedGen C0238198, MeSH D046152, MONDO:0011719, OMIM 606764, HP:0100723.

Submission:

Labcorp Genetics (formerly Invitae), Labcorp
Classification: Uncertain significance for Gastrointestinal stromal tumor. Last evaluated: 2022-12-25. Review status: criteria provided, single submitter. Criteria: Invitae Variant Classification Sherloc (09022015). Collection method: clinical testing. Allele origin: germline.
Comment: In summary, the available evidence is currently insufficient to determine the role of this variant in disease. Therefore, it has been classified as a Variant of Uncertain Significance. Experimental studies and prediction algorithms are not available or were not evaluated, and the functional significance of this variant is currently unknown. This variant has not been reported in the literature in individuals affected with PDGFRA-related conditions. This variant is a gross deletion of the genomic region encompassing exon(s) 2-3 of the PDGFRA gene, which includes the initiator codon. This deletion extends beyond the assayed region for this gene and therefore may encompass additional genes. It is expected to result in an absent or disrupted protein product. However, the current clinical and genetic evidence is not sufficient to establish whether loss-of-function variants in PDGFRA cause disease.